The following is an entry in ClinVar:

ClinVar aggregate classification (germline): Uncertain significance (1 of 4 stars; one submission).

gnomAD v4.1: 28 of 1,613,702 alleles (0.0017%); highest among the groups gnomAD compares: Non-Finnish European, 0.0023%; no homozygotes.

Submission:

Mayo Clinic Laboratories, Mayo Clinic
Classification: Uncertain significance. Last evaluated: 2024-06-12. Review status: criteria provided, single submitter. Criteria: ACMG Guidelines, 2015. Collection method: clinical testing. Allele origin: germline. Observed: 1 variant allele.
Comment: PM2

NM_001510.4(GRID2):c.445C>T (p.Pro149Ser)

Gene: GRID2 (glutamate ionotropic receptor delta type subunit 2; plus strand). Cytogenetic location: 4q22.2.
Variant type: single nucleotide variant.
Coding change: c.445C>T on transcript NM_001510.4 (MANE Select); coding-DNA position 445, C replaced by T.
Protein change: p.Pro149Ser; replaces proline 149 with serine.
Molecular consequence: missense variant. On other transcripts: intron variant (1).
Genome position (GRCh38, 1-based): chr4:93,085,195, C>T. VCF-style: chr4-93085195-C-T. GRCh37 (hg19) VCF-style: chr4-94006346-C-T.
Other names: p.Pro149Ser; c.245-25553C>T (NM_001286838.1); short protein forms P149S.
Identifiers: ClinVar variation 3379548 (VCV003379548.1).
Genomic context (GRCh38, chr4:93,085,195, plus strand): 5'-AGTGGCTGTGGACTCACCCGGAGCAACAGGAATGATGACTACACTCTCTCAGTTCGCCCA[C>T]CTGTCTACTTGCATGATGTTATCCTAAGAGTGGTCACAGAGTATGCCTGGCAGAAATTCA-3'
Protein context (NP_001501.2, residues 139-159): NDDYTLSVRP[Pro149Ser]VYLHDVILRV